The following is an entry in ClinVar:

NM_000059.4(BRCA2):c.6625dup (p.Ile2209fs)

Gene: BRCA2 (BRCA2 DNA repair associated; plus strand). Cytogenetic location: 13q13.1.
Variant type: Duplication.
Coding change: c.6625dup on transcript NM_000059.4 (MANE Select); coding-DNA position 6625, one base duplicated (A; older notation c.6625dupA).
Protein change: p.Ile2209fs; shifts the reading frame from isoleucine 2209.
Molecular consequence: frameshift variant.
Genome position (GRCh38, 1-based): chr13:32,340,980, A duplicated. VCF-style (leftmost placement, unchanged base first): chr13-32340979-T-TA. GRCh37 (hg19) VCF-style: chr13-32915116-T-TA.
Other names: 6853dupA; c.6625dupA (NM_000059.3); short protein forms I2209fs.
Identifiers: ClinVar variation 266967 (VCV000266967.11), dbSNP rs886040670, ClinGen allele CA10589396.

ClinVar aggregate classification (germline): Pathogenic. Review status: reviewed by expert panel (3 of 4 stars). 4 submissions from 4 submitters: Pathogenic (1). 3 of the submissions do not count toward it. Last evaluated 2016-10-18.

Conditions:
Breast-ovarian cancer, familial, susceptibility to, 2 (BROVCA2). Also called: BRCA2 Hereditary Breast and Ovarian Cancer. Identifiers: Orphanet 145, MedGen C2675520, MONDO:0012933, OMIM 612555. Disease mechanism: loss of function.
Hereditary cancer-predisposing syndrome. Also called: Hereditary neoplastic syndrome; Neoplastic Syndromes, Hereditary; Tumor predisposition; Hereditary Cancer Syndrome. Identifiers: Orphanet 140162, MedGen C0027672, MeSH D009386, MONDO:0015356.
Hereditary breast ovarian cancer syndrome. Also called: BRCA1- and BRCA2-Associated Hereditary Breast and Ovarian Cancer; Hereditary breast and ovarian cancer; Breast and ovarian cancer; Hereditary breast and/or ovarian cancer syndrome; Hereditary breast and ovarian cancer syndrome; Hereditary breast and ovarian cancer syndrome (HBOC). Identifiers: Orphanet 145, MedGen C0677776, MeSH D061325, MONDO:0003582. Disease mechanism: loss of function.

Submissions (4):

Evidence-based Network for the Interpretation of Germline Mutant Alleles (ENIGMA)
Classification: Pathogenic for Breast-ovarian cancer, familial, susceptibility to, 2. Last evaluated: 2016-10-18. Review status: reviewed by expert panel. Criteria: ENIGMA BRCA1/2 Classification Criteria (2015). Collection method: curation. Allele origin: germline.
Comment: Variant allele predicted to encode a truncated non-functional protein.

Labcorp Genetics (formerly Invitae), Labcorp
Classification: Pathogenic for Hereditary breast ovarian cancer syndrome. Last evaluated: 2020-11-03. Review status: criteria provided, single submitter. Criteria: Invitae Variant Classification Sherloc (09022015). Collection method: clinical testing. Allele origin: germline. Not counted in ClinVar's aggregate classification.
Comment: This sequence change creates a premature translational stop signal (p.Ile2209Asnfs*16) in the BRCA2 gene. It is expected to result in an absent or disrupted protein product. Loss-of-function variants in BRCA2 are known to be pathogenic (PMID: 20104584). For these reasons, this variant has been classified as Pathogenic. This variant has not been reported in the literature in individuals with BRCA2-related conditions. ClinVar contains an entry for this variant (Variation ID: 266967). This variant is not present in population databases (ExAC no frequency).

Ambry Genetics
Classification: Pathogenic for Hereditary cancer-predisposing syndrome. Last evaluated: 2020-01-20. Review status: criteria provided, single submitter. Criteria: Ambry Variant Classification Scheme 2023. Collection method: clinical testing. Allele origin: germline. Not counted in ClinVar's aggregate classification.
Comment: The c.6625dupA pathogenic mutation, located in coding exon 10 of the BRCA2 gene, results from a duplication of A at nucleotide position 6625, causing a translational frameshift with a predicted alternate stop codon (p.I2209Nfs*16). This alteration was identified in a large, worldwide study of BRCA1/2 mutation positive families (Rebbeck TR et al. Hum. Mutat. 2018 05;39:593-620). In addition to the clinical data presented in the literature, this alteration is expected to result in loss of function by premature protein truncation or nonsense-mediated mRNA decay. As such, this alteration is interpreted as a disease-causing mutation.

Consortium of Investigators of Modifiers of BRCA1/2 (CIMBA), c/o University of Cambridge
Classification: Pathogenic for Breast-ovarian cancer, familial, susceptibility to, 2. Last evaluated: 2015-10-02. Review status: criteria provided, single submitter. Criteria: CIMBA Mutation Classification guidelines May 2016. Collection method: clinical testing. Allele origin: germline. Not counted in ClinVar's aggregate classification.

Literature cited by the submitters: PubMed 20104584 (cited by Labcorp Genetics (formerly Invitae), Labcorp); PubMed 29446198 (cited by Ambry Genetics).